The following is an entry in ClinVar:

ClinVar aggregate classification (germline): Uncertain significance (1 of 4 stars; one submission).

Allele frequency attached by ClinVar (database versions not stated): gnomAD exomes below 0.00001; ExAC 0.00001.
gnomAD v4.1: 5 of 1,614,178 alleles (0.00031%); highest among the groups gnomAD compares: Non-Finnish European, 0.00034%; no homozygotes.

Submission:

Labcorp Genetics (formerly Invitae), Labcorp
Classification: Uncertain significance. Last evaluated: 2025-04-08. Review status: criteria provided, single submitter. Criteria: Invitae Variant Classification Sherloc (09022015). Collection method: clinical testing. Allele origin: germline.
Comment: This sequence change replaces leucine, which is neutral and non-polar, with isoleucine, which is neutral and non-polar, at codon 87 of the DMP1 protein (p.Leu87Ile). This variant is present in population databases (rs758377752, gnomAD 0.0009%). This variant has not been reported in the literature in individuals affected with DMP1-related conditions. ClinVar contains an entry for this variant (Variation ID: 2970715). Invitae Evidence Modeling of protein sequence and biophysical properties (such as structural, functional, and spatial information, amino acid conservation, physicochemical variation, residue mobility, and thermodynamic stability) indicates that this missense variant is not expected to disrupt DMP1 protein function with a negative predictive value of 80%. In summary, the available evidence is currently insufficient to determine the role of this variant in disease. Therefore, it has been classified as a Variant of Uncertain Significance.

NM_004407.4(DMP1):c.259C>A (p.Leu87Ile)

Genes: DMP1 (dentin matrix acidic phosphoprotein 1; plus strand), DMP1-AS1 (DMP1 and DSPP antisense RNA 1; minus strand). Cytogenetic location: 4q22.1.
Variant type: single nucleotide variant.
Coding change: c.259C>A on transcript NM_004407.4 (MANE Select); coding-DNA position 259, C replaced by A.
Protein change: p.Leu87Ile; replaces leucine 87 with isoleucine.
Molecular consequence: missense variant.
Genome position (GRCh38, 1-based): chr4:87,662,037, C>A. VCF-style: chr4-87662037-C-A. GRCh37 (hg19) VCF-style: chr4-88583189-C-A.
Other names: c.211C>A, p.Leu71Ile (NM_001079911.3); short protein forms L71I, L87I.
Identifiers: ClinVar variation 2970715 (VCV002970715.3), dbSNP rs758377752, ClinGen allele CA3001998.
Genomic context (GRCh38, chr4:87,662,037, plus strand): 5'-AGTGACAGCACTCAGTCAGAGGAGGGCCTGGGCTCTGATGATCATCAATACATTTATAGG[C>A]TAGCTGGTGGCTTCTCCAGGAGCACAGGAAAAGGAGGAGATGATAAAGATGACGATGAAG-3'
Protein context (NP_004398.1, residues 77-97): GSDDHQYIYR[Leu87Ile]AGGFSRSTGK